The following is an entry in ClinVar:

ClinVar aggregate classification (germline): Uncertain significance. Review status: criteria provided, multiple submitters, no conflicts (2 of 4 stars). 2 submissions from 2 submitters: Uncertain significance (2). Last evaluated 2024-05-24.

Conditions:
Hereditary cancer-predisposing syndrome. Also called: Neoplastic Syndromes, Hereditary; Hereditary Cancer Syndrome; Tumor predisposition; Hereditary neoplastic syndrome. Identifiers: Orphanet 140162, MedGen C0027672, MeSH D009386, MONDO:0015356.
Fanconi anemia (FA). Also called: Fanconi's anemia. Identifiers: Orphanet 84, MedGen C0015625, MeSH D005199, MONDO:0019391.

Allele frequency attached by ClinVar (database versions not stated): ExAC 0.00001.
gnomAD v4.1: 2 of 1,614,118 alleles (0.00012%); highest among the groups gnomAD compares: South Asian, 0.0011%; no homozygotes.

Submissions (2):

Ambry Genetics
Classification: Uncertain significance for Hereditary cancer-predisposing syndrome. Last evaluated: 2024-05-24. Review status: criteria provided, single submitter. Criteria: Ambry Variant Classification Scheme 2023. Collection method: clinical testing. Allele origin: germline.
Comment: The p.F341L variant (also known as c.1023T>G), located in coding exon 10 of the FANCC gene, results from a T to G substitution at nucleotide position 1023. The phenylalanine at codon 341 is replaced by leucine, an amino acid with highly similar properties. This amino acid position is conserved. In addition, this alteration is predicted to be deleterious by in silico analysis. Based on the available evidence, the clinical significance of this variant remains unclear.

Labcorp Genetics (formerly Invitae), Labcorp
Classification: Uncertain significance for Fanconi anemia. Last evaluated: 2024-02-05. Review status: criteria provided, single submitter. Criteria: Invitae Variant Classification Sherloc (09022015). Collection method: clinical testing. Allele origin: germline.
Comment: This sequence change replaces phenylalanine, which is neutral and non-polar, with leucine, which is neutral and non-polar, at codon 341 of the FANCC protein (p.Phe341Leu). This variant is present in population databases (rs758439579, gnomAD 0.003%). This variant has not been reported in the literature in individuals affected with FANCC-related conditions. ClinVar contains an entry for this variant (Variation ID: 1376278). Advanced modeling of protein sequence and biophysical properties (such as structural, functional, and spatial information, amino acid conservation, physicochemical variation, residue mobility, and thermodynamic stability) performed at Invitae indicates that this missense variant is expected to disrupt FANCC protein function with a positive predictive value of 80%. In summary, the available evidence is currently insufficient to determine the role of this variant in disease. Therefore, it has been classified as a Variant of Uncertain Significance.

NM_000136.3(FANCC):c.1023T>G (p.Phe341Leu)

Genes: FANCC (FA complementation group C; minus strand), AOPEP (aminopeptidase O (putative); plus strand). Cytogenetic location: 9q22.32.
Variant type: single nucleotide variant.
Coding change: c.1023T>G on transcript NM_000136.3 (MANE Select); coding-DNA position 1023, T replaced by G.
Protein change: p.Phe341Leu; replaces phenylalanine 341 with leucine.
Molecular consequence: missense variant.
Genome position (GRCh38, 1-based): chr9:95,117,364, A>C on the plus strand (T>G on the coding strand, the complement: FANCC is on the minus strand). VCF-style: chr9-95117364-A-C. GRCh37 (hg19) VCF-style: chr9-97879646-A-C.
Other names: c.1023T>G, p.Phe341Leu (NM_001243743.2, NM_001243744.2); c.1023T>G (NM_000136.2); short protein forms F341L.
Identifiers: ClinVar variation 1376278 (VCV001376278.6), dbSNP rs758439579, ClinGen allele CA5137486.